The following is an entry in ClinVar:

ClinVar aggregate classification (germline): Uncertain significance (1 of 4 stars; one submission).

Conditions:
Charcot-Marie-Tooth disease type 2. Also called: Charcot-Marie-Tooth type 2. Identifiers: Orphanet 64746, MedGen C0270914, MONDO:0018993.

Allele frequency attached by ClinVar (database versions not stated): gnomAD exomes below 0.00001.
gnomAD v4.1: 4 of 1,614,226 alleles (0.00025%); highest among the groups gnomAD compares: South Asian, 0.0033%; no homozygotes.

Submission:

Labcorp Genetics (formerly Invitae), Labcorp
Classification: Uncertain significance for Charcot-Marie-Tooth disease type 2. Last evaluated: 2025-12-01. Review status: criteria provided, single submitter. Criteria: Invitae Variant Classification Sherloc (09022015). Collection method: clinical testing. Allele origin: germline.
Comment: This sequence change replaces tyrosine, which is neutral and polar, with cysteine, which is neutral and slightly polar, at codon 415 of the MFN2 protein (p.Tyr415Cys). This variant is not present in population databases (gnomAD no frequency). This variant has not been reported in the literature in individuals affected with MFN2-related conditions. ClinVar contains an entry for this variant (Variation ID: 857762). Invitae Evidence Modeling of protein sequence and biophysical properties (such as structural, functional, and spatial information, amino acid conservation, physicochemical variation, residue mobility, and thermodynamic stability) indicates that this missense variant is not expected to disrupt MFN2 protein function with a negative predictive value of 80%. In summary, the available evidence is currently insufficient to determine the role of this variant in disease. Therefore, it has been classified as a Variant of Uncertain Significance.

NM_014874.4(MFN2):c.1244A>G (p.Tyr415Cys)

Gene: MFN2 (mitofusin 2; plus strand). Cytogenetic location: 1p36.22.
Variant type: single nucleotide variant.
Coding change: c.1244A>G on transcript NM_014874.4 (MANE Select); coding-DNA position 1244, A replaced by G.
Protein change: p.Tyr415Cys; replaces tyrosine 415 with cysteine.
Molecular consequence: missense variant.
Genome position (GRCh38, 1-based): chr1:12,004,075, A>G. VCF-style: chr1-12004075-A-G. GRCh37 (hg19) VCF-style: chr1-12064132-A-G.
Other names: c.1244A>G, p.Tyr415Cys (NM_001127660.2); short protein forms Y415C.
Identifiers: ClinVar variation 857762 (VCV000857762.9), dbSNP rs1278360900, ClinGen allele CA338445238.